The following is an entry in ClinVar:

ClinVar aggregate classification (germline): Conflicting classifications of pathogenicity. Review status: criteria provided, conflicting classifications (1 of 4 stars). 2 submissions from 2 submitters: Uncertain significance (1); Likely benign (1). Last evaluated 2025-08-11.

Conditions:
Inborn genetic diseases. Identifiers: MedGen C0950123, MeSH D030342.
Autosomal dominant nocturnal frontal lobe epilepsy 5. Also called: CILIARY DYSKINESIA, PRIMARY, 28, WITHOUT SITUS INVERSUS; Epilepsy, nocturnal frontal lobe, 5; KCNT1-Related Epilepsy; CILIARY DYSKINESIA, PRIMARY, 28, WITH SITUS INVERSUS. Identifiers: Orphanet 98784, MedGen C3554306, MONDO:0014002, OMIM 615005.
Developmental and epileptic encephalopathy, 14 (DEE14). Also called: Early infantile epileptic encephalopathy 14. Identifiers: Orphanet 293181, MedGen C3554195, MONDO:0013989, OMIM 614959.

Allele frequency attached by ClinVar (database versions not stated): gnomAD 0.00001; ExAC 0.00002; TOPMed 0.00002; gnomAD exomes 0.00004.

Submissions (2):

Labcorp Genetics (formerly Invitae), Labcorp
Classification: Uncertain significance for Autosomal dominant nocturnal frontal lobe epilepsy 5; Developmental and epileptic encephalopathy, 14. Last evaluated: 2025-08-11. Review status: criteria provided, single submitter. Criteria: Invitae Variant Classification Sherloc (09022015). Collection method: clinical testing. Allele origin: germline.
Comment: This sequence change replaces valine, which is neutral and non-polar, with isoleucine, which is neutral and non-polar, at codon 350 of the KCNT1 protein (p.Val350Ile). This variant is present in population databases (rs759531782, gnomAD 0.003%). This variant has not been reported in the literature in individuals affected with KCNT1-related conditions. ClinVar contains an entry for this variant (Variation ID: 1920690). Invitae Evidence Modeling of protein sequence and biophysical properties (such as structural, functional, and spatial information, amino acid conservation, physicochemical variation, residue mobility, and thermodynamic stability) indicates that this missense variant is not expected to disrupt KCNT1 protein function with a negative predictive value of 80%. In summary, the available evidence is currently insufficient to determine the role of this variant in disease. Therefore, it has been classified as a Variant of Uncertain Significance.

Ambry Genetics
Classification: Likely benign for Inborn genetic diseases. Last evaluated: 2025-02-14. Review status: criteria provided, single submitter. Criteria: Ambry Variant Classification Scheme 2023. Collection method: clinical testing. Allele origin: germline.

NM_020822.3(KCNT1):c.1048G>A (p.Val350Ile)

Gene: KCNT1 (potassium sodium-activated channel subfamily T member 1; plus strand). Cytogenetic location: 9q34.3.
Variant type: single nucleotide variant.
Coding change: c.1048G>A on transcript NM_020822.3 (MANE Select); coding-DNA position 1048, G replaced by A.
Protein change: p.Val350Ile; replaces valine 350 with isoleucine.
Molecular consequence: missense variant.
Genome position (GRCh38, 1-based): chr9:135,765,043, G>A. VCF-style: chr9-135765043-G-A. GRCh37 (hg19) VCF-style: chr9-138656889-G-A.
Other names: c.913G>A, p.Val305Ile (NM_001272003.2); c.1048G>A (NM_020822.2); short protein forms V305I, V350I.
Identifiers: ClinVar variation 1920690 (VCV001920690.6), dbSNP rs759531782, ClinGen allele CA5326761.